The following is an entry in ClinVar:

ClinVar aggregate classification (germline): Uncertain significance (1 of 4 stars; one submission).

Conditions:
Hyperekplexia 3 (HKPX3). Also called: HYPEREKPLEXIA 3, AUTOSOMAL RECESSIVE; HYPEREKPLEXIA 3, AUTOSOMAL DOMINANT. Identifiers: Orphanet 3197, MedGen C3553288, MONDO:0013827, OMIM 614618.

Allele frequency attached by ClinVar (database versions not stated): gnomAD exomes below 0.00001; ExAC 0.00001.
gnomAD v4.1: 2 of 1,614,160 alleles (0.00012%); highest among the groups gnomAD compares: South Asian, 0.0022%; no homozygotes.

Submission:

Labcorp Genetics (formerly Invitae), Labcorp
Classification: Uncertain significance for Hyperekplexia 3. Last evaluated: 2023-04-24. Review status: criteria provided, single submitter. Criteria: Invitae Variant Classification Sherloc (09022015). Collection method: clinical testing. Allele origin: germline.
Comment: In summary, the available evidence is currently insufficient to determine the role of this variant in disease. Therefore, it has been classified as a Variant of Uncertain Significance. An algorithm developed to predict the effect of missense changes on protein structure and function (PolyPhen-2) suggests that this variant is likely to be disruptive. ClinVar contains an entry for this variant (Variation ID: 1395364). This variant has not been reported in the literature in individuals affected with SLC6A5-related conditions. This variant is present in population databases (rs774704429, gnomAD 0.003%). This sequence change replaces proline, which is neutral and non-polar, with histidine, which is basic and polar, at codon 314 of the SLC6A5 protein (p.Pro314His).

NM_004211.5(SLC6A5):c.941C>A (p.Pro314His)

Gene: SLC6A5 (solute carrier family 6 member 5; plus strand). Cytogenetic location: 11p15.1.
Variant type: single nucleotide variant.
Coding change: c.941C>A on transcript NM_004211.5 (MANE Select); coding-DNA position 941, C replaced by A.
Protein change: p.Pro314His; replaces proline 314 with histidine.
Molecular consequence: missense variant.
Genome position (GRCh38, 1-based): chr11:20,607,608, C>A. VCF-style: chr11-20607608-C-A. GRCh37 (hg19) VCF-style: chr11-20629154-C-A.
Other names: c.239C>A, p.Pro80His (NM_001318369.2); short protein forms P80H, P314H.
Identifiers: ClinVar variation 1395364 (VCV001395364.6), dbSNP rs774704429, ClinGen allele CA5921253.